The following is an entry in ClinVar:

ClinVar aggregate classification (germline): Conflicting classifications of pathogenicity. Review status: criteria provided, conflicting classifications (1 of 4 stars). 2 submissions from 2 submitters: Uncertain significance (1); Likely benign (1). Last evaluated 2025-02-01.

Conditions:
Inborn genetic diseases. Identifiers: MedGen C0950123, MeSH D030342.

Allele frequency attached by ClinVar (database versions not stated): ESP Exome Variant Server 0.00008; ExAC 0.00003; gnomAD exomes 0.00010.
gnomAD v4.1: 151 of 1,613,382 alleles (0.0094%); highest among the groups gnomAD compares: Non-Finnish European, 0.012%; no homozygotes.

Submissions (2):

Labcorp Genetics (formerly Invitae), Labcorp
Classification: Uncertain significance. Last evaluated: 2025-02-01. Review status: criteria provided, single submitter. Criteria: Invitae Variant Classification Sherloc (09022015). Collection method: clinical testing. Allele origin: germline.
Comment: This sequence change replaces arginine, which is basic and polar, with glutamine, which is neutral and polar, at codon 115 of the AHDC1 protein (p.Arg115Gln). This variant is present in population databases (rs373450165, gnomAD 0.009%). This variant has not been reported in the literature in individuals affected with AHDC1-related conditions. ClinVar contains an entry for this variant (Variation ID: 2309859). An algorithm developed to predict the effect of missense changes on protein structure and function (PolyPhen-2) suggests that this variant is likely to be tolerated. In summary, the available evidence is currently insufficient to determine the role of this variant in disease. Therefore, it has been classified as a Variant of Uncertain Significance.

Ambry Genetics
Classification: Likely benign for Inborn genetic diseases. Last evaluated: 2022-02-03. Review status: criteria provided, single submitter. Criteria: Ambry Variant Classification Scheme 2023. Collection method: clinical testing. Allele origin: germline.

NM_001371928.1(AHDC1):c.344G>A (p.Arg115Gln)

Gene: AHDC1 (AT-hook DNA binding motif containing 1; minus strand). Cytogenetic location: 1p36.11.
Variant type: single nucleotide variant.
Coding change: c.344G>A on transcript NM_001371928.1 (MANE Select); coding-DNA position 344, G replaced by A.
Protein change: p.Arg115Gln; replaces arginine 115 with glutamine.
Molecular consequence: missense variant.
Genome position (GRCh38, 1-based): chr1:27,551,772, C>T on the plus strand (G>A on the coding strand, the complement: AHDC1 is on the minus strand). VCF-style: chr1-27551772-C-T. GRCh37 (hg19) VCF-style: chr1-27878283-C-T.
Other names: c.344G>A, p.Arg115Gln (NM_001029882.3); short protein forms R115Q.
Identifiers: ClinVar variation 2309859 (VCV002309859.5), dbSNP rs373450165, ClinGen allele CA716168.